The following is an entry in ClinVar:

ClinVar aggregate classification (germline): Uncertain significance. Review status: criteria provided, multiple submitters, no conflicts (2 of 4 stars). 2 submissions from 2 submitters: Uncertain significance (2). Last evaluated 2024-02-13.

Conditions:
Developmental and epileptic encephalopathy, 30 (DEE30). Also called: Epileptic encephalopathy, early infantile, 30. Identifiers: MedGen C4225360, MONDO:0014595, OMIM 616341.

Submissions (2):

Labcorp Genetics (formerly Invitae), Labcorp
Classification: Uncertain significance for Developmental and epileptic encephalopathy, 30. Last evaluated: 2024-02-13. Review status: criteria provided, single submitter. Criteria: Invitae Variant Classification Sherloc (09022015). Collection method: clinical testing. Allele origin: germline.
Comment: This sequence change replaces glutamic acid, which is acidic and polar, with glutamine, which is neutral and polar, at codon 656 of the SIK1 protein (p.Glu656Gln). This variant is not present in population databases (gnomAD no frequency). This variant has not been reported in the literature in individuals affected with SIK1-related conditions. Advanced modeling of protein sequence and biophysical properties (such as structural, functional, and spatial information, amino acid conservation, physicochemical variation, residue mobility, and thermodynamic stability) performed at Invitae indicates that this missense variant is not expected to disrupt SIK1 protein function with a negative predictive value of 95%. In summary, the available evidence is currently insufficient to determine the role of this variant in disease. Therefore, it has been classified as a Variant of Uncertain Significance.

Blueprint Genetics
Classification: Uncertain significance. Last evaluated: 2018-03-07. Review status: criteria provided, single submitter. Criteria: ACMG Guidelines, 2015. Collection method: clinical testing. Allele origin: germline.

NM_173354.5(SIK1):c.1966G>C (p.Glu656Gln)

Gene: SIK1 (salt inducible kinase 1; minus strand). Cytogenetic location: 21q22.3.
Variant type: single nucleotide variant.
Coding change: c.1966G>C on transcript NM_173354.5 (MANE Select); coding-DNA position 1966, G replaced by C.
Protein change: p.Glu656Gln; replaces glutamic acid 656 with glutamine.
Molecular consequence: missense variant.
Genome position (GRCh38, 1-based): chr21:43,417,553, C>G on the plus strand (G>C on the coding strand, the complement: SIK1 is on the minus strand). VCF-style: chr21-43417553-C-G. GRCh37 (hg19) VCF-style: chr21-44837433-C-G.
Other names: short protein forms E656Q.
Identifiers: ClinVar variation 3676596 (VCV003676596.3).